The following is an entry in ClinVar:

NM_001737.5(C9):c.1477A>G (p.Asn493Asp)

Gene: C9 (complement C9; minus strand). Cytogenetic location: 5p13.1.
Variant type: single nucleotide variant.
Coding change: c.1477A>G on transcript NM_001737.5 (MANE Select); coding-DNA position 1477, A replaced by G.
Protein change: p.Asn493Asp; replaces asparagine 493 with aspartic acid.
Molecular consequence: missense variant.
Genome position (GRCh38, 1-based): chr5:39,288,891, T>C on the plus strand (A>G on the coding strand, the complement: C9 is on the minus strand). VCF-style: chr5-39288891-T-C. GRCh37 (hg19) VCF-style: chr5-39288993-T-C.
Other names: short protein forms N493D.
Identifiers: ClinVar variation 1962499 (VCV001962499.2), dbSNP rs1753040219, ClinGen allele CA359619403.
Genomic context (GRCh38, chr5:39,288,891, plus strand): 5'-ATGTGTGGCATTTTCTTACACTAAATTCATTGATATAGTCTTCAATGGCTCTTTCCAAGT[T>C]TTGTTTCTTTAGGTGTGCATTTTTCATTTTCACTGGAACCAGATTATATATAGGAGACAG-3'
Protein context (NP_001728.1, residues 483-503): KMKNAHLKKQ[Asn493Asp]LERAIEDYIN

ClinVar aggregate classification (germline): Uncertain significance (1 of 4 stars; one submission).

Allele frequency attached by ClinVar (database versions not stated): gnomAD exomes below 0.00001.
gnomAD v4.1: 1 of 1,612,112 alleles (0.000062%); highest among the groups gnomAD compares: Non-Finnish European, 0.000085%; no homozygotes.

Submission:

Labcorp Genetics (formerly Invitae), Labcorp
Classification: Uncertain significance. Last evaluated: 2022-04-20. Review status: criteria provided, single submitter. Criteria: Invitae Variant Classification Sherloc (09022015). Collection method: clinical testing. Allele origin: germline.
Comment: This sequence change replaces asparagine, which is neutral and polar, with aspartic acid, which is acidic and polar, at codon 493 of the C9 protein (p.Asn493Asp). This variant is not present in population databases (gnomAD no frequency). This variant has not been reported in the literature in individuals affected with C9-related conditions. Algorithms developed to predict the effect of missense changes on protein structure and function are either unavailable or do not agree on the potential impact of this missense change (SIFT: "Not Available"; PolyPhen-2: "Probably Damaging"; Align-GVGD: "Not Available"). In summary, the available evidence is currently insufficient to determine the role of this variant in disease. Therefore, it has been classified as a Variant of Uncertain Significance.